The following is an entry in ClinVar:

NM_015122.3(FCHO1):c.1152G>A (p.Ala384=)

Gene: FCHO1 (FCH and mu domain containing endocytic adaptor 1; plus strand). Cytogenetic location: 19p13.11.
Variant type: single nucleotide variant.
Coding change: c.1152G>A on transcript NM_015122.3 (MANE Select); coding-DNA position 1152, G replaced by A.
Protein change: p.Ala384=; no amino-acid change (alanine 384 retained).
Molecular consequence: synonymous variant. On other transcripts: non-coding transcript variant (36).
Genome position (GRCh38, 1-based): chr19:17,776,131, G>A. VCF-style: chr19-17776131-G-A. GRCh37 (hg19) VCF-style: chr19-17886940-G-A.
Other names: p.Ala384=; c.1152G>A, p.Ala384= (NM_001161357.2, NM_001161358.2, NM_001384370.1 and 25 more transcripts); c.1002G>A, p.Ala334= (NM_001161359.2, NM_001384384.1, NM_001384385.1 and 3 more transcripts); c.1113G>A, p.Ala371= (NM_001384388.1, NM_001384389.1, NM_001384405.1); c.1077G>A, p.Ala359= (NM_001384390.1); c.1107G>A, p.Ala369= (NM_001384403.1).
Identifiers: ClinVar variation 1165586 (VCV001165586.15), dbSNP rs2287854, ClinGen allele CA9300404.
Genomic context (GRCh38, chr19:17,776,131, plus strand): 5'-CCCGGCCCGGGCTCCAGCCTGCAGCCCCGAGGCAGCAGCGGCACAGCTCAGGGCCACCGC[G>A]GGCAGCCTCATCCTTCCTCCTGGCCCAGGGGTGAGGCGTGGGAGGGGTGCCCTGGGTGTT-3'
Protein context (NP_055937.1, residues 374-394): EAAAAQLRAT[Ala384=]GSLILPPGPG

ClinVar aggregate classification (germline): Benign. Review status: criteria provided, multiple submitters, no conflicts (2 of 4 stars). 6 submissions from 6 submitters: Benign (6). Last evaluated 2026-02-04.

Allele frequency attached by ClinVar (database versions not stated): gnomAD exomes 0.43177 and 0.48332; ESP Exome Variant Server 0.45694; gnomAD 0.46766 and 0.47359; ExAC 0.47829; TOPMed 0.49364; 1000 Genomes Project 30x 0.57214; 1000 Genomes Project 0.57388.
gnomAD v4.1: 704,339 of 1,613,040 alleles (44%); highest among the groups gnomAD compares: East Asian, 77%; 159,712 homozygotes.

Submissions (6):

Labcorp Genetics (formerly Invitae), Labcorp
Classification: Benign. Last evaluated: 2026-02-04. Review status: criteria provided, single submitter. Criteria: Invitae Variant Classification Sherloc (09022015). Collection method: clinical testing. Allele origin: germline.

Women's Health and Genetics/Laboratory Corporation of America, LabCorp
Classification: Benign. Last evaluated: 2026-01-21. Review status: criteria provided, single submitter. Criteria: LabCorp Variant Classification Summary - May 2015. Collection method: clinical testing. Allele origin: germline.

Blueprint Genetics
Classification: Benign. Last evaluated: 2024-11-28. Review status: criteria provided, single submitter. Criteria: ACMG Guidelines, 2015. Collection method: clinical testing. Allele origin: germline.

Unidad de Genómica Garrahan, Hospital de Pediatría Garrahan
Classification: Benign. Last evaluated: 2024-01-24. Review status: criteria provided, single submitter. Criteria: ACMG Guidelines, 2015. Collection method: clinical testing. Allele origin: germline. Affected: no. Observed: 71 variant alleles.
Comment: This variant is classified as Benign based on local population frequency. This variant was detected in 75% of patients studied by a panel of primary immunodeficiencies. Number of patients: 71. Only high quality variants are reported.

Mayo Clinic Laboratories, Mayo Clinic
Classification: Benign. Last evaluated: 2022-09-06. Review status: criteria provided, single submitter. Criteria: ACMG Guidelines, 2015. Collection method: clinical testing. Allele origin: germline. Observed: 60 variant alleles.

Breakthrough Genomics
Classification: Benign. Review status: criteria provided, single submitter. Criteria: ACMG Guidelines, 2015. Collection method: not provided. Allele origin: germline. Inheritance: Autosomal recessive inheritance. Affected: yes.